The following is an entry in ClinVar:

NM_007186.6(CEP250):c.1342G>A (p.Ala448Thr)

Genes: CEP250 (centrosomal protein 250; plus strand), CEP250-AS1 (CEP250 antisense RNA 1; minus strand). Cytogenetic location: 20q11.22.
Variant type: single nucleotide variant.
Coding change: c.1342G>A on transcript NM_007186.6 (MANE Select); coding-DNA position 1342, G replaced by A.
Protein change: p.Ala448Thr; replaces alanine 448 with threonine.
Molecular consequence: missense variant. On other transcripts: 5 prime UTR variant (1).
Genome position (GRCh38, 1-based): chr20:35,473,506, G>A. VCF-style: chr20-35473506-G-A. GRCh37 (hg19) VCF-style: chr20-34061331-G-A.
Other names: c.-558G>A (NM_001318219.1); short protein forms A448T.
Identifiers: ClinVar variation 2043492 (VCV002043492.4), dbSNP rs746427144, ClinGen allele CA9832891.

ClinVar aggregate classification (germline): Uncertain significance (1 of 4 stars; one submission).

Allele frequency attached by ClinVar (database versions not stated): TOPMed 0.00001.
gnomAD v4.1: 8 of 1,614,106 alleles (0.0005%); highest among the groups gnomAD compares: Admixed American, 0.0017%; no homozygotes.

Submission:

Labcorp Genetics (formerly Invitae), Labcorp
Classification: Uncertain significance. Last evaluated: 2022-03-20. Review status: criteria provided, single submitter. Criteria: Invitae Variant Classification Sherloc (09022015). Collection method: clinical testing. Allele origin: germline.
Comment: In summary, the available evidence is currently insufficient to determine the role of this variant in disease. Therefore, it has been classified as a Variant of Uncertain Significance. Algorithms developed to predict the effect of missense changes on protein structure and function are either unavailable or do not agree on the potential impact of this missense change (SIFT: "Not Available"; PolyPhen-2: "Probably Damaging"; Align-GVGD: "Not Available"). This variant has not been reported in the literature in individuals affected with CEP250-related conditions. The frequency data for this variant in the population databases is considered unreliable, as metrics indicate poor data quality at this position in the gnomAD database. This sequence change replaces alanine, which is neutral and non-polar, with threonine, which is neutral and polar, at codon 448 of the CEP250 protein (p.Ala448Thr).